The following is an entry in ClinVar:

NM_015087.5(SPART):c.1241A>G (p.Lys414Arg)

Gene: SPART (spartin; minus strand). Cytogenetic location: 13q13.3.
Variant type: single nucleotide variant.
Coding change: c.1241A>G on transcript NM_015087.5 (MANE Select); coding-DNA position 1241, A replaced by G.
Protein change: p.Lys414Arg; replaces lysine 414 with arginine.
Molecular consequence: missense variant.
Genome position (GRCh38, 1-based): chr13:36,326,622, T>C on the plus strand (A>G on the coding strand, the complement: SPART is on the minus strand). VCF-style: chr13-36326622-T-C. GRCh37 (hg19) VCF-style: chr13-36900759-T-C.
Other names: c.1241A>G, p.Lys414Arg (NM_001142294.2, NM_001142295.2, NM_001142296.2); short protein forms K414R.
Identifiers: ClinVar variation 1917802 (VCV001917802.5), dbSNP rs764379560, ClinGen allele CA6949451.

ClinVar aggregate classification (germline): Uncertain significance (1 of 4 stars; one submission).

Allele frequency attached by ClinVar (database versions not stated): ExAC 0.00001; gnomAD exomes 0.00001.

Submission:

Labcorp Genetics (formerly Invitae), Labcorp
Classification: Uncertain significance. Last evaluated: 2022-02-28. Review status: criteria provided, single submitter. Criteria: Invitae Variant Classification Sherloc (09022015). Collection method: clinical testing. Allele origin: germline.
Comment: In summary, the available evidence is currently insufficient to determine the role of this variant in disease. Therefore, it has been classified as a Variant of Uncertain Significance. Algorithms developed to predict the effect of missense changes on protein structure and function output the following: SIFT: "Tolerated"; PolyPhen-2: "Benign"; Align-GVGD: "Class C0". The arginine amino acid residue is found in multiple mammalian species, which suggests that this missense change does not adversely affect protein function. This variant has not been reported in the literature in individuals affected with SPART-related conditions. This variant is present in population databases (rs764379560, gnomAD 0.0009%). This sequence change replaces lysine, which is basic and polar, with arginine, which is basic and polar, at codon 414 of the SPART protein (p.Lys414Arg).